The following is an entry in ClinVar:

ClinVar aggregate classification (germline): Uncertain significance (1 of 4 stars; one submission).

Submission:

Clinical Genomics Laboratory, Washington University in St. Louis
Classification: Uncertain significance. Last evaluated: 2025-08-06. Review status: criteria provided, single submitter. Criteria: ACMG Guidelines, 2015. Collection method: clinical testing. Allele origin: germline.
Comment: The SESTD1 c.1087_1090del (p.Cys363Ilefs*35) variant, to our knowledge, has not been reported in the medical literature. This variant is absent from the general population (gnomAD v.2.1.1), indicating it is not a common variant. This variant causes a frameshift by deleting four nucleotides, leading to a premature termination codon, which is predicted to lead to nonsense mediated decay. Due to limited information, the clinical significance of this variant is uncertain.

NM_178123.5(SESTD1):c.1087_1090del (p.Cys363fs)

Gene: SESTD1 (SEC14 and spectrin domain containing 1; minus strand). Cytogenetic location: 2q31.2.
Variant type: Microsatellite.
Coding change: c.1087_1090del on transcript NM_178123.5 (MANE Select); coding-DNA positions 1087 to 1090, 4 bases deleted (TGTT; older notation c.1087_1090delTGTT).
Protein change: p.Cys363fs; shifts the reading frame from cysteine 363.
Molecular consequence: frameshift variant.
Genome position (GRCh38, 1-based): chr2:179,124,441-179,124,444, AACA deleted on the plus strand (TGTT on the coding strand, the reverse complement: SESTD1 is on the minus strand); deleting any 4 consecutive bases within chr2:179,124,441-179,124,448 gives the same sequence; the c. name uses the placement nearest the transcript's 3' end. VCF-style (leftmost placement, unchanged base first): chr2-179124440-TAACA-T. GRCh37 (hg19) VCF-style: chr2-179989167-TAACA-T.
Other names: short protein forms C363fs.
Identifiers: ClinVar variation 4279847 (VCV004279847.1).